The following is an entry in ClinVar:

NM_000540.3(RYR1):c.7161C>T (p.Ser2387=)

Gene: RYR1 (ryanodine receptor 1; plus strand). Cytogenetic location: 19q13.2.
Variant type: single nucleotide variant.
Coding change: c.7161C>T on transcript NM_000540.3 (MANE Select); coding-DNA position 7161, C replaced by T.
Protein change: p.Ser2387=; no amino-acid change (serine 2387 retained).
Molecular consequence: synonymous variant.
Genome position (GRCh38, 1-based): chr19:38,499,768, C>T. VCF-style: chr19-38499768-C-T. GRCh37 (hg19) VCF-style: chr19-38990408-C-T.
Other names: c.7161C>T, p.Ser2387= (NM_001042723.2).
Identifiers: ClinVar variation 512204 (VCV000512204.10), dbSNP rs766839127, ClinGen allele CA069197.

ClinVar aggregate classification (germline): Likely benign. Review status: criteria provided, multiple submitters, no conflicts (2 of 4 stars). 4 submissions from 4 submitters: Likely benign (4). Last evaluated 2026-02-04.

Conditions:
RYR1-related disorder. Also called: RYR1-related condition; RYR1-related disorders. Identifiers: MedGen CN239331.
Malignant hyperthermia, susceptibility to, 1 (MHS1). Also called: Anesthesia related hyperthermia; Malignant hyperpyrexia; Fulminating hyperpyrexia; Pharmacogenic myopathy; RYR1-Related Malignant Hyperthermia Susceptibility; Malignant hyperthermia suceptibility 1. Identifiers: Orphanet 423, MedGen C2930980, MONDO:0007783, OMIM 145600.

Allele frequency attached by ClinVar (database versions not stated): ExAC 0.00001; gnomAD exomes 0.00001 and 0.00002; TOPMed 0.00001.
gnomAD v4.1: 11 of 1,602,562 alleles (0.00069%); highest among the groups gnomAD compares: Admixed American, 0.0033%; no homozygotes.

Submissions (4):

Labcorp Genetics (formerly Invitae), Labcorp
Classification: Likely benign for RYR1-related disorder. Last evaluated: 2026-02-04. Review status: criteria provided, single submitter. Criteria: Invitae Variant Classification Sherloc (09022015). Collection method: clinical testing. Allele origin: germline.

All of Us Research Program, National Institutes of Health
Classification: Likely benign for Malignant hyperthermia, susceptibility to, 1. Last evaluated: 2023-11-20. Review status: criteria provided, single submitter. Criteria: ACMG Guidelines, 2015. Collection method: clinical testing. Allele origin: germline. Inheritance: Autosomal dominant inheritance. Observed: 3 variant alleles, 3 heterozygotes.
Comment: This study involves interpretation of variants in research participants for the purpose of population health screening. Participant phenotype was not available at the time of variant classification. Additional details can be found in publication PMID: 35346344, PMCID: PMC8962531

Color Diagnostics, LLC DBA Color Health
Classification: Likely benign for Malignant hyperthermia, susceptibility to, 1. Last evaluated: 2022-11-06. Review status: criteria provided, single submitter. Criteria: ACMG Guidelines, 2015. Collection method: clinical testing. Allele origin: germline.

GeneDx
Classification: Likely benign. Last evaluated: 2017-09-19. Review status: criteria provided, single submitter. Criteria: GeneDx Variant Classification (06012015). Collection method: clinical testing. Allele origin: germline. Affected: yes.
Comment: This variant is considered likely benign or benign based on one or more of the following criteria: it is a conservative change, it occurs at a poorly conserved position in the protein, it is predicted to be benign by multiple in silico algorithms, and/or has population frequency not consistent with disease.